The following is an entry in ClinVar:

NM_001098.3(ACO2):c.293T>A (p.Met98Lys)

Gene: ACO2 (aconitase 2; plus strand). Cytogenetic location: 22q13.2.
Variant type: single nucleotide variant.
Coding change: c.293T>A on transcript NM_001098.3 (MANE Select); coding-DNA position 293, T replaced by A.
Protein change: p.Met98Lys; replaces methionine 98 with lysine.
Molecular consequence: missense variant.
Genome position (GRCh38, 1-based): chr22:41,507,910, T>A. VCF-style: chr22-41507910-T-A. GRCh37 (hg19) VCF-style: chr22-41903914-T-A.
Other names: short protein forms M98K.
Identifiers: ClinVar variation 4082720 (VCV004082720.1).
Genomic context (GRCh38, chr22:41,507,910, plus strand): 5'-CCAGCCAGGAAATTGAGCGAGGCAAGTCGTACCTGCGGCTGCGGCCGGACCGTGTGGCCA[T>A]GCAGGATGCGACGGCCCAGATGGCCATGCTCCAGTTCATCAGCAGCGGGCTGTCCAAGGT-3'
Protein context (NP_001089.1, residues 88-108): YLRLRPDRVA[Met98Lys]QDATAQMAML

ClinVar aggregate classification (germline): Uncertain significance (1 of 4 stars; one submission).

Submission:

GeneDx
Classification: Uncertain significance. Last evaluated: 2025-03-06. Review status: criteria provided, single submitter. Criteria: GeneDx Variant Classification Process June 2021. Collection method: clinical testing. Allele origin: germline. Affected: yes.
Comment: Has not been previously published as pathogenic or benign to our knowledge; Not observed at significant frequency in large population cohorts (gnomAD); In silico analysis supports that this missense variant has a deleterious effect on protein structure/function